The following is an entry in ClinVar:

NM_001009944.3(PKD1):c.9674_9700del (p.Ala3225_Glu3233del)

Gene: PKD1 (polycystin 1, transient receptor potential channel interacting; minus strand). Cytogenetic location: 16p13.3.
Variant type: Deletion.
Coding change: c.9674_9700del on transcript NM_001009944.3 (MANE Select); coding-DNA positions 9674 to 9700, 27 bases deleted (CCAACGGGGGCCTGGTGGAGAAGGAGG).
Protein change: p.Ala3225_Glu3233del.
Molecular consequence: inframe deletion.
Genome position (GRCh38, 1-based): chr16:2,100,178-2,100,204, CCTCCTTCTCCACCAGGCCCCCGTTGG deleted on the plus strand (CCAACGGGGGCCTGGTGGAGAAGGAGG on the coding strand, the reverse complement: PKD1 is on the minus strand); deleting any 27 consecutive bases within chr16:2,100,178-2,100,209 gives the same sequence; the c. name uses the placement nearest the transcript's 3' end. VCF-style (leftmost placement, unchanged base first): chr16-2100177-ACCTCCTTCTCCACCAGGCCCCCGTTGG-A. GRCh37 (hg19) VCF-style: chr16-2150178-ACCTCCTTCTCCACCAGGCCCCCGTTGG-A.
Other names: c.9674_9700del, p.Ala3225_Glu3233del (NM_000296.4); c.9674_9700del27 (NM_001009944.3).
Identifiers: ClinVar variation 448028 (VCV000448028.3), dbSNP rs1555449461, ClinGen allele CA658658342.

ClinVar aggregate classification (germline): Conflicting classifications of pathogenicity. Review status: criteria provided, conflicting classifications (1 of 4 stars). 3 submissions from 3 submitters: Likely pathogenic (1); Uncertain significance (2). Last evaluated 2026-06-08.

Conditions:
Polycystic kidney disease, adult type (PKD1). Also called: Polycystic Kidney, Autosomal Dominant; POLYCYSTIC KIDNEY DISEASE 1 WITH OR WITHOUT POLYCYSTIC LIVER DISEASE; POLYCYSTIC KIDNEY DISEASE, ADULT, TYPE I; Polycystic Kidney Disease 1, Autosomal Dominant; Polycystic kidney disease 1; Polycystic kidney disease 1, severe. Identifiers: MedGen C3149841, MONDO:0008263, OMIM 173900.

Submissions (3):

Women's Health and Genetics/Laboratory Corporation of America, LabCorp
Classification: Uncertain significance. Last evaluated: 2026-06-08. Review status: criteria provided, single submitter. Criteria: LabCorp Variant Classification Summary - May 2015. Collection method: clinical testing. Allele origin: germline.
Comment: Variant summary: PKD1 c.9674_9700del27 (p.Ala3225_Glu3233del) results in an in-frame deletion that is predicted to remove nine amino acids from the encoded protein. The variant was absent in 239908 control chromosomes. The available data on variant occurrences in the general population are insufficient to allow any conclusion about variant significance. c.9674_9700del27 has been observed in at least one individual affected with PKD1-related conditions (e.g. Carrera_2016). These data do not allow any conclusion about variant significance. To our knowledge, no experimental evidence demonstrating an impact on protein function has been reported. The following publication has been ascertained in the context of this evaluation (PMID: 27499327). ClinVar contains an entry for this variant (Variation ID: 448028). Based on the evidence outlined above, the variant was classified as uncertain significance.

Fulgent Genetics
Classification: Likely pathogenic for Polycystic kidney disease, adult type. Last evaluated: 2024-04-16. Review status: criteria provided, single submitter. Criteria: ACMG Guidelines, 2015. Collection method: clinical testing. Allele origin: germline.

Athena Diagnostics
Classification: Uncertain significance. Last evaluated: 2017-04-14. Review status: criteria provided, single submitter. Criteria: Athena Diagnostics Criteria. Collection method: clinical testing. Allele origin: germline.

Literature cited by the submitters: PubMed 27499327 (cited by Women's Health and Genetics/Laboratory Corporation of America, LabCorp and Athena Diagnostics).